The following is an entry in ClinVar:

ClinVar aggregate classification (germline): Uncertain significance (1 of 4 stars; one submission).

Submission:

GeneDx
Classification: Uncertain significance. Last evaluated: 2023-12-03. Review status: criteria provided, single submitter. Criteria: GeneDx Variant Classification Process June 2021. Collection method: clinical testing. Allele origin: germline. Affected: yes.
Comment: Not observed at significant frequency in large population cohorts (gnomAD); In silico analysis supports that this missense variant does not alter protein structure/function; Has not been previously published as pathogenic or benign to our knowledge; This variant is associated with the following publications: (PMID: 25471517)

NM_005051.3(QARS1):c.2071C>G (p.Leu691Val)

Gene: QARS1 (glutaminyl-tRNA synthetase 1; minus strand). Cytogenetic location: 3p21.31.
Variant type: single nucleotide variant.
Coding change: c.2071C>G on transcript NM_005051.3 (MANE Select); coding-DNA position 2071, C replaced by G.
Protein change: p.Leu691Val; replaces leucine 691 with valine.
Molecular consequence: missense variant. On other transcripts: non-coding transcript variant (1).
Genome position (GRCh38, 1-based): chr3:49,098,366, G>C on the plus strand (C>G on the coding strand, the complement: QARS1 is on the minus strand). VCF-style: chr3-49098366-G-C. GRCh37 (hg19) VCF-style: chr3-49135799-G-C.
Other names: c.2038C>G, p.Leu680Val (NM_001272073.2); short protein forms L680V, L691V.
Identifiers: ClinVar variation 3252162 (VCV003252162.1), dbSNP rs778797651.